The following is an entry in ClinVar:

NM_001605.3(AARS1):c.1044G>C (p.Thr348=)

Gene: AARS1 (alanyl-tRNA synthetase 1; minus strand). Cytogenetic location: 16q22.1.
Variant type: single nucleotide variant.
Coding change: c.1044G>C on transcript NM_001605.3 (MANE Select); coding-DNA position 1044, G replaced by C.
Protein change: p.Thr348=; no amino-acid change (threonine 348 retained).
Molecular consequence: synonymous variant.
Genome position (GRCh38, 1-based): chr16:70,268,298, C>G on the plus strand (G>C on the coding strand, the complement: AARS1 is on the minus strand). VCF-style: chr16-70268298-C-G. GRCh37 (hg19) VCF-style: chr16-70302201-C-G.
Other names: p.Thr348=.
Identifiers: ClinVar variation 282997 (VCV000282997.68), dbSNP rs181264712, ClinGen allele CA8140946.

ClinVar aggregate classification (germline): Benign/Likely benign. Review status: criteria provided, multiple submitters, no conflicts (2 of 4 stars). 10 submissions from 10 submitters: Benign (6); Likely benign (3). 1 of the submissions does not count toward it. Last evaluated 2026-02-03.

Conditions:
Trichothiodystrophy 8, nonphotosensitive. Identifiers: MedGen C5562057, MONDO:0030517, OMIM 619691.
Leukoencephalopathy, hereditary diffuse, with spheroids 2 (HDLS2). Also called: LEUKOENCEPHALOPATHY, HEREDITARY DIFFUSE, WITH SPHEROIDS, SWEDISH TYPE. Identifiers: MedGen C5562044, MONDO:0030634, OMIM 619661.
Developmental and epileptic encephalopathy, 29 (DEE29). Also called: Epileptic encephalopathy, early infantile, 29. Identifiers: Orphanet 442835, MedGen C4225361, MONDO:0014593, OMIM 616339.
Charcot-Marie-Tooth disease axonal type 2N (CMT2N). Also called: Charcot-Marie-Tooth Neuropathy Type 2N; CHARCOT-MARIE-TOOTH DISEASE, AXONAL, AUTOSOMAL DOMINANT, TYPE 2N; CHARCOT-MARIE-TOOTH NEUROPATHY, AXONAL, TYPE 2N. Identifiers: Orphanet 228174, MedGen C2750090, MONDO:0013212, OMIM 613287.
AARS1-related disorder. Also called: AARS1-related condition.
Inborn genetic diseases. Identifiers: MedGen C0950123, MeSH D030342.
Charcot-Marie-Tooth disease type 2. Also called: Charcot-Marie-Tooth type 2. Identifiers: Orphanet 64746, MedGen C0270914, MONDO:0018993.

Allele frequency attached by ClinVar (database versions not stated): gnomAD 0.00067; TOPMed 0.00178; 1000 Genomes Project 0.00280; 1000 Genomes Project 30x 0.00281.
gnomAD v4.1: 1,335 of 1,614,168 alleles (0.083%); highest among the groups gnomAD compares: Admixed American, 2.1%; 23 homozygotes.

Submissions (10):

Labcorp Genetics (formerly Invitae), Labcorp
Classification: Benign for Charcot-Marie-Tooth disease type 2. Last evaluated: 2026-02-03. Review status: criteria provided, single submitter. Criteria: Invitae Variant Classification Sherloc (09022015). Collection method: clinical testing. Allele origin: germline.

Blueprint Genetics
Classification: Likely benign. Last evaluated: 2024-04-26. Review status: criteria provided, single submitter. Criteria: ACMG Guidelines, 2015. Collection method: clinical testing. Allele origin: germline.

ARUP Laboratories, Molecular Genetics and Genomics, ARUP Laboratories
Classification: Benign. Last evaluated: 2023-11-08. Review status: criteria provided, single submitter. Criteria: ARUP Molecular Germline Variant Investigation Process 2024. Collection method: clinical testing. Allele origin: germline.

Fulgent Genetics
Classification: Likely benign for Charcot-Marie-Tooth disease axonal type 2N; Developmental and epileptic encephalopathy, 29; Leukoencephalopathy, hereditary diffuse, with spheroids 2; Trichothiodystrophy 8, nonphotosensitive. Last evaluated: 2022-03-16. Review status: criteria provided, single submitter. Criteria: ACMG Guidelines, 2015. Collection method: clinical testing. Allele origin: unknown.

Ambry Genetics
Classification: Likely benign for Inborn genetic diseases. Last evaluated: 2019-07-11. Review status: criteria provided, single submitter. Criteria: Ambry Variant Classification Scheme 2023. Collection method: clinical testing. Allele origin: germline.

Mayo Clinic Laboratories, Mayo Clinic
Classification: Benign. Last evaluated: 2018-05-04. Review status: criteria provided, single submitter. Criteria: ACMG Guidelines, 2015. Collection method: clinical testing. Allele origin: germline. Observed: 2 variant alleles.

Illumina Laboratory Services, Illumina
Classification: Benign for Charcot-Marie-Tooth disease axonal type 2N. Last evaluated: 2018-01-12. Review status: criteria provided, single submitter. Criteria: ICSL Variant Classification Criteria 13 December 2019. Collection method: clinical testing. Allele origin: germline.
Comment: This variant was observed in the ICSL laboratory as part of a predisposition screen in an ostensibly healthy population. It had not been previously curated by ICSL or reported in the Human Gene Mutation Database (HGMD: prior to June 1st, 2018), and was therefore a candidate for classification through an automated scoring system. Utilizing variant allele frequency, disease prevalence and penetrance estimates, and inheritance mode, an automated score was calculated to assess if this variant is too frequent to cause the disease. Based on the score and internal cut-off values, a variant classified as benign is not then subjected to further curation. The score for this variant resulted in a classification of benign for this disease.

GeneDx
Classification: Benign. Last evaluated: 2016-10-06. Review status: criteria provided, single submitter. Criteria: GeneDx Variant Classification (06012015). Collection method: clinical testing. Allele origin: germline. Affected: yes.
Comment: This variant is considered likely benign or benign based on one or more of the following criteria: it is a conservative change, it occurs at a poorly conserved position in the protein, it is predicted to be benign by multiple in silico algorithms, and/or has population frequency not consistent with disease.

Eurofins Ntd Llc (ga)
Classification: Benign. Last evaluated: 2015-09-15. Review status: criteria provided, single submitter. Criteria: EGL Classification Definitions 2015. Collection method: clinical testing. Allele origin: germline. Observed: 1 variant allele, 1 heterozygote.

PreventionGenetics, part of Exact Sciences
Classification: Benign for AARS1-related condition. Last evaluated: 2019-05-07. Review status: no assertion criteria provided. Collection method: clinical testing. Allele origin: germline. Not counted in ClinVar's aggregate classification.
Comment: This variant is classified as benign based on ACMG/AMP sequence variant interpretation guidelines (Richards et al. 2015 PMID: 25741868, with internal and published modifications).